The following is an entry in ClinVar:

NM_024105.4(ALG12):c.21_33dup (p.Leu12fs)

Gene: ALG12 (ALG12 alpha-1,6-mannosyltransferase; minus strand). Cytogenetic location: 22q13.33.
Variant type: Duplication.
Coding change: c.21_33dup on transcript NM_024105.4 (MANE Select); coding-DNA positions 21 to 33, 13 bases duplicated (AGGCAGGCGGCCC).
Protein change: p.Leu12fs; shifts the reading frame from leucine 12.
Molecular consequence: frameshift variant.
Genome position (GRCh38, 1-based): chr22:49,913,733-49,913,745, GGGCCGCCTGCCT duplicated on the plus strand (AGGCAGGCGGCCC on the coding strand, the reverse complement: ALG12 is on the minus strand); duplicating any 13 consecutive bases within chr22:49,913,733-49,913,746 gives the same sequence; the c. name uses the placement nearest the transcript's 3' end. VCF-style (leftmost placement, unchanged base first): chr22-49913732-G-GGGGCCGCCTGCCT. GRCh37 (hg19) VCF-style: chr22-50307380-G-GGGGCCGCCTGCCT.
Other names: short protein forms L12fs.
Identifiers: ClinVar variation 2839616 (VCV002839616.3), dbSNP rs2519275907, ClinGen allele CA2577757022.

ClinVar aggregate classification (germline): Pathogenic (1 of 4 stars; one submission).

Conditions:
ALG12-congenital disorder of glycosylation (CDG1G). Also called: Congenital disorder of glycosylation, type Ig; ALG12-CDG; CDG Ig. Identifiers: Orphanet 79324, MedGen C2931001, MONDO:0011783, OMIM 607143.

Submission:

Labcorp Genetics (formerly Invitae), Labcorp
Classification: Pathogenic for ALG12-congenital disorder of glycosylation. Last evaluated: 2023-12-23. Review status: criteria provided, single submitter. Criteria: Invitae Variant Classification Sherloc (09022015). Collection method: clinical testing. Allele origin: germline.
Comment: This sequence change creates a premature translational stop signal (p.Leu12Argfs*37) in the ALG12 gene. It is expected to result in an absent or disrupted protein product. Loss-of-function variants in ALG12 are known to be pathogenic (PMID: 15639192, 31481313). This variant is not present in population databases (gnomAD no frequency). This variant has not been reported in the literature in individuals affected with ALG12-related conditions. For these reasons, this variant has been classified as Pathogenic.

Literature cited by the submitters: PubMed 15639192; PubMed 31481313.